The following is an entry in ClinVar:

NM_032119.4(ADGRV1):c.13072C>T (p.Leu4358Phe)

Gene: ADGRV1 (adhesion G protein-coupled receptor V1; plus strand). Cytogenetic location: 5q14.3.
Variant type: single nucleotide variant.
Coding change: c.13072C>T on transcript NM_032119.4 (MANE Select); coding-DNA position 13072, C replaced by T.
Protein change: p.Leu4358Phe; replaces leucine 4358 with phenylalanine.
Molecular consequence: missense variant. On other transcripts: non-coding transcript variant (1).
Genome position (GRCh38, 1-based): chr5:90,779,087, C>T. VCF-style: chr5-90779087-C-T. GRCh37 (hg19) VCF-style: chr5-90074904-C-T.
Other names: short protein forms L4358F.
Identifiers: ClinVar variation 504968 (VCV000504968.4), dbSNP rs1554113480, ClinGen allele CA360390997.

ClinVar aggregate classification (germline): Uncertain significance (1 of 4 stars; one submission).

Submission:

Laboratory for Molecular Medicine, Mass General Brigham Personalized Medicine
Classification: Uncertain significance. Last evaluated: 2016-06-28. Review status: criteria provided, single submitter. Criteria: LMM Criteria. Collection method: clinical testing. Allele origin: germline. Observed: 1 variant allele.
Comment: The p.Leu4358Phe variant in GPR98 has not been previously reported in individual s with hearing loss and was absent from large population studies. Computational prediction tools and conservation analyses suggest that the p.Leu4358Phe variant may impact the protein, though this information is not predictive enough to det ermine pathogenicity. In summary, the clinical significance of the p.Leu4358Phe variant is uncertain.